The following is an entry in ClinVar:

NM_004366.6(CLCN2):c.1912dup (p.Ala638fs)

Gene: CLCN2 (chloride voltage-gated channel 2; minus strand). Cytogenetic location: 3q27.1.
Variant type: Duplication.
Coding change: c.1912dup on transcript NM_004366.6 (MANE Select); coding-DNA position 1912, one base duplicated (G; older notation c.1912dupG).
Protein change: p.Ala638fs; shifts the reading frame from alanine 638.
Molecular consequence: frameshift variant.
Genome position (GRCh38, 1-based): chr3:184,353,366, C duplicated on the plus strand (G on the coding strand, the reverse complement: CLCN2 is on the minus strand); the first of 5 consecutive C bases (chr3:184,353,366-184,353,370); duplicating any one gives the same sequence. VCF-style (leftmost placement, unchanged base first): chr3-184353365-G-GC. GRCh37 (hg19) VCF-style: chr3-184071153-G-GC.
Other names: c.1861dup, p.Ala621fs (NM_001171087.3); c.1780dup, p.Ala594fs (NM_001171088.3); c.1912dup, p.Ala638fs (NM_001171089.3); short protein forms A638fs, A594fs, A621fs.
Identifiers: ClinVar variation 2699999 (VCV002699999.3), dbSNP rs2474239446, ClinGen allele CA2697557003.

ClinVar aggregate classification (germline): Pathogenic (1 of 4 stars; one submission).

Submission:

Labcorp Genetics (formerly Invitae), Labcorp
Classification: Pathogenic. Last evaluated: 2023-12-01. Review status: criteria provided, single submitter. Criteria: Invitae Variant Classification Sherloc (09022015). Collection method: clinical testing. Allele origin: germline.
Comment: This sequence change creates a premature translational stop signal (p.Ala638Glyfs*25) in the CLCN2 gene. It is expected to result in an absent or disrupted protein product. Loss-of-function variants in CLCN2 are known to be pathogenic (PMID: 23707145). This variant is not present in population databases (gnomAD no frequency). This variant has not been reported in the literature in individuals affected with CLCN2-related conditions. For these reasons, this variant has been classified as Pathogenic.

Literature cited by the submitters: PubMed 23707145.